The following is an entry in ClinVar:

NM_000443.4(ABCB4):c.3196G>C (p.Ala1066Pro)

Gene: ABCB4 (ATP binding cassette subfamily B member 4; minus strand). Cytogenetic location: 7q21.12.
Variant type: single nucleotide variant.
Coding change: c.3196G>C on transcript NM_000443.4 (MANE Select); coding-DNA position 3196, G replaced by C.
Protein change: p.Ala1066Pro; replaces alanine 1066 with proline.
Molecular consequence: missense variant.
Genome position (GRCh38, 1-based): chr7:87,408,120, C>G on the plus strand (G>C on the coding strand, the complement: ABCB4 is on the minus strand). VCF-style: chr7-87408120-C-G. GRCh37 (hg19) VCF-style: chr7-87037436-C-G.
Other names: c.3196G>C, p.Ala1066Pro (NM_018849.3); c.3055G>C, p.Ala1019Pro (NM_018850.3); short protein forms A1066P, A1019P.
Identifiers: ClinVar variation 5000599 (VCV005000599.1).

ClinVar aggregate classification (germline): Uncertain significance (1 of 4 stars; one submission).

Conditions:
ABCB4-related disorder. Also called: ABCB4-related disorders; ABCB4-related condition.

Submission:

PreventionGenetics, part of Exact Sciences
Classification: Uncertain significance for ABCB4-related condition. Last evaluated: 2024-10-11. Review status: criteria provided, single submitter. Criteria: ACMG Guidelines, 2015. Collection method: clinical testing. Allele origin: germline.
Comment: The ABCB4 c.3196G>C variant is predicted to result in the amino acid substitution p.Ala1066Pro. To our knowledge, this variant has not been reported in the literature or in a large population database (gnomAD), indicating this variant is rare. At this time, the clinical significance of this variant is uncertain due to the absence of conclusive functional and genetic evidence.